The following is an entry in ClinVar:

ClinVar aggregate classification (germline): Uncertain significance (1 of 4 stars; one submission).

Submission:

Labcorp Genetics (formerly Invitae), Labcorp
Classification: Uncertain significance. Last evaluated: 2021-04-16. Review status: criteria provided, single submitter. Criteria: Invitae Variant Classification Sherloc (09022015). Collection method: clinical testing. Allele origin: germline.
Comment: In summary, the available evidence is currently insufficient to determine the role of this variant in disease. Therefore, it has been classified as a Variant of Uncertain Significance. Algorithms developed to predict the effect of missense changes on protein structure and function are either unavailable or do not agree on the potential impact of this missense change (SIFT: "Deleterious"; PolyPhen-2: "Probably Damaging"; Align-GVGD: "Class C0"). This variant has not been reported in the literature in individuals with PDE6C-related conditions. This variant is not present in population databases (ExAC no frequency). This sequence change replaces glutamine with proline at codon 85 of the PDE6C protein (p.Gln85Pro). The glutamine residue is highly conserved and there is a moderate physicochemical difference between glutamine and proline.

NM_006204.4(PDE6C):c.254A>C (p.Gln85Pro)

Gene: PDE6C (phosphodiesterase 6C; plus strand). Cytogenetic location: 10q23.33.
Variant type: single nucleotide variant.
Coding change: c.254A>C on transcript NM_006204.4 (MANE Select); coding-DNA position 254, A replaced by C.
Protein change: p.Gln85Pro; replaces glutamine 85 with proline.
Molecular consequence: missense variant.
Genome position (GRCh38, 1-based): chr10:93,612,979, A>C. VCF-style: chr10-93612979-A-C. GRCh37 (hg19) VCF-style: chr10-95372736-A-C.
Other names: short protein forms Q85P.
Identifiers: ClinVar variation 1018316 (VCV001018316.8), dbSNP rs2058399264, ClinGen allele CA377622123.